The following is an entry in ClinVar:

ClinVar aggregate classification (germline): Uncertain significance (1 of 4 stars; one submission).

Conditions:
Beta-D-mannosidosis (MANSB). Also called: Beta-Mannosidosis; MANNOSIDOSIS, BETA A, LYSOSOMAL; BETA-MANNOSIDASE DEFICIENCY; LYSOSOMAL BETA-MANNOSIDASE DEFICIENCY. Identifiers: Orphanet 118, MedGen C4048196, MONDO:0009562, OMIM 248510.

Submission:

Labcorp Genetics (formerly Invitae), Labcorp
Classification: Uncertain significance for Beta-D-mannosidosis. Last evaluated: 2020-02-12. Review status: criteria provided, single submitter. Criteria: Invitae Variant Classification Sherloc (09022015). Collection method: clinical testing. Allele origin: germline.
Comment: This sequence change replaces serine with asparagine at codon 608 of the MANBA protein (p.Ser608Asn). The serine residue is weakly conserved and there is a small physicochemical difference between serine and asparagine. This variant is not present in population databases (ExAC no frequency). This variant has not been reported in the literature in individuals with MANBA-related conditions. Algorithms developed to predict the effect of missense changes on protein structure and function output the following: SIFT: "Tolerated"; PolyPhen-2: "Benign"; Align-GVGD: "Class C0". The asparagine amino acid residue is found in multiple mammalian species, suggesting that this missense change does not adversely affect protein function. These predictions have not been confirmed by published functional studies and their clinical significance is uncertain. In summary, the available evidence is currently insufficient to determine the role of this variant in disease. Therefore, it has been classified as a Variant of Uncertain Significance.

NM_005908.4(MANBA):c.1823G>A (p.Ser608Asn)

Gene: MANBA (mannosidase beta; minus strand). Cytogenetic location: 4q24.
Variant type: single nucleotide variant.
Coding change: c.1823G>A on transcript NM_005908.4 (MANE Select); coding-DNA position 1823, G replaced by A.
Protein change: p.Ser608Asn; replaces serine 608 with asparagine.
Molecular consequence: missense variant.
Genome position (GRCh38, 1-based): chr4:102,650,583, C>T on the plus strand (G>A on the coding strand, the complement: MANBA is on the minus strand). VCF-style: chr4-102650583-C-T. GRCh37 (hg19) VCF-style: chr4-103571740-C-T.
Other names: short protein forms S608N.
Identifiers: ClinVar variation 1035972 (VCV001035972.5), dbSNP rs1730287301, ClinGen allele CA357757864.
Genomic context (GRCh38, chr4:102,650,583, plus strand): 5'-TGAAAACAACTTACCTGAGTAAGGTAGATGGTATCTTTAAATGTGCGTAATGGATCTGTG[C>T]TTTGGGGGAGTTTGAAATGAAGTCCAGCCTGATAAAGCATTTGTTTGTTACCACCTTCGT-3'
Protein context (NP_005899.3, residues 598-618): QAGLHFKLPQ[Ser608Asn]TDPLRTFKDT